The following is an entry in ClinVar:

NM_014915.3(ANKRD26):c.3832_3847del (p.Thr1278fs)

Gene: ANKRD26 (ankyrin repeat domain containing 26; minus strand). Cytogenetic location: 10p12.1.
Variant type: Deletion.
Coding change: c.3832_3847del on transcript NM_014915.3 (MANE Select); coding-DNA positions 3832 to 3847, 16 bases deleted (ACAGAAGCTGTCAGAT).
Protein change: p.Thr1278fs; shifts the reading frame from threonine 1278.
Molecular consequence: frameshift variant.
Genome position (GRCh38, 1-based): chr10:27,029,317-27,029,332, ATCTGACAGCTTCTGT deleted on the plus strand (ACAGAAGCTGTCAGAT on the coding strand, the reverse complement: ANKRD26 is on the minus strand); deleting any 16 consecutive bases within chr10:27,029,317-27,029,334 gives the same sequence; the c. name uses the placement nearest the transcript's 3' end. VCF-style (leftmost placement, unchanged base first): chr10-27029316-CATCTGACAGCTTCTGT-C. GRCh37 (hg19) VCF-style: chr10-27318245-CATCTGACAGCTTCTGT-C.
Other names: c.3829_3844del, p.Thr1277fs (NM_001256053.2); c.3830_3845del16, p.Thr1278Valfs (NM_014915.2); short protein forms T1277fs, T1278fs.
Identifiers: ClinVar variation 3366126 (VCV003366126.1).
Genomic context (GRCh38, chr10:27,029,316, plus strand): 5'-TGTTTTTCTGTGTGCTGCTTTAAATTTTACTTTTGCTTGTGATCTTGCATCTTCTCAGCA[CATCTGACAGCTTCTGT>C]ATGTCGATCCTGTGCTTCTTGCAACTAAAACAAAGAATAAAAAAAACCCACTTTACTAAT-3'

ClinVar aggregate classification (germline): Uncertain significance (1 of 4 stars; one submission).

Submission:

GeneDx
Classification: Uncertain significance. Last evaluated: 2023-10-16. Review status: criteria provided, single submitter. Criteria: GeneDx Variant Classification Process June 2021. Collection method: clinical testing. Allele origin: germline. Affected: yes.
Comment: Frameshift variant predicted to result in protein truncation or nonsense mediated decay in a gene for which loss-of-function is not a known mechanism of disease; Not observed at significant frequency in large population cohorts (gnomAD); Has not been previously published as pathogenic or benign to our knowledge